The following is an entry in ClinVar:

ClinVar aggregate classification (germline): Uncertain significance. Review status: criteria provided, multiple submitters, no conflicts (2 of 4 stars). 4 submissions from 4 submitters: Uncertain significance (4). Last evaluated 2025-09-11.

Conditions:
Cardiovascular phenotype. Identifiers: MedGen CN230736.
Cardiomyopathy (CMYO). Also called: Cardiomyopathies. Identifiers: Orphanet 167848, MedGen C0878544, MONDO:0004994, HP:0001638. Inheritance: Various modes of inheritance.
Hypertrophic cardiomyopathy. Also called: HYPERTROPHIC MYOCARDIOPATHY. Identifiers: Orphanet 217569, MedGen C0007194, MeSH D002312, MONDO:0005045, HP:0001639.

Allele frequency attached by ClinVar (database versions not stated): gnomAD exomes 0.00001; TOPMed 0.00001; gnomAD 0.00001; ExAC 0.00002.
gnomAD v4.1: 12 of 1,614,040 alleles (0.00074%); highest among the groups gnomAD compares: South Asian, 0.0055%; no homozygotes.

Submissions (4):

Color Diagnostics, LLC DBA Color Health
Classification: Uncertain significance for Cardiomyopathy. Last evaluated: 2025-09-11. Review status: criteria provided, single submitter. Criteria: ACMG Guidelines, 2015. Collection method: clinical testing. Allele origin: germline.
Comment: This missense variant replaces threonine with methionine at codon 786 of the MYH7 protein. Computational prediction suggests that this variant may have deleterious impact on protein structure and function. This variant is found within a highly conserved region of the myosin head domain. Missense variants in this region have been shown to be significantly overrepresented in individuals with hypertrophic cardiomyopathy (PMID: 27532257). To our knowledge, functional studies have not been reported for this variant. This variant has not been reported in individuals affected with MYH7-related disorders in the literature. This variant has been identified in 3/251470 chromosomes in the general population by the Genome Aggregation Database (gnomAD). The available evidence is insufficient to determine the role of this variant in disease conclusively. Therefore, this variant is classified as a Variant of Uncertain Significance.

Ambry Genetics
Classification: Uncertain significance for Cardiovascular phenotype. Last evaluated: 2025-01-10. Review status: criteria provided, single submitter. Criteria: Ambry Variant Classification Scheme 2023. Collection method: clinical testing. Allele origin: germline.
Comment: The p.T786M variant (also known as c.2357C>T), located in coding exon 19 of the MYH7 gene, results from a C to T substitution at nucleotide position 2357. The threonine at codon 786 is replaced by methionine, an amino acid with similar properties. This alteration is located in the myosin head domain, which contains a statistically significant clustering of pathogenic missense variants (Homburger JR et al. Proc Natl Acad Sci U S A, 2016 06;113:6701-6; Walsh R et al. Genet Med, 2017 02;19:192-203; Ambry internal data). This amino acid position is highly conserved in available vertebrate species. In addition, this alteration is predicted to be deleterious by in silico analysis. Based on the available evidence, the clinical significance of this variant remains unclear.

Labcorp Genetics (formerly Invitae), Labcorp
Classification: Uncertain significance for Hypertrophic cardiomyopathy. Last evaluated: 2024-09-23. Review status: criteria provided, single submitter. Criteria: Invitae Variant Classification Sherloc (09022015). Collection method: clinical testing. Allele origin: germline.
Comment: This sequence change replaces threonine, which is neutral and polar, with methionine, which is neutral and non-polar, at codon 786 of the MYH7 protein (p.Thr786Met). This variant is present in population databases (rs781082864, gnomAD 0.007%). This variant has not been reported in the literature in individuals affected with MYH7-related conditions. ClinVar contains an entry for this variant (Variation ID: 1517113). Invitae Evidence Modeling of protein sequence and biophysical properties (such as structural, functional, and spatial information, amino acid conservation, physicochemical variation, residue mobility, and thermodynamic stability) indicates that this missense variant is expected to disrupt MYH7 protein function with a positive predictive value of 95%. In summary, the available evidence is currently insufficient to determine the role of this variant in disease. Therefore, it has been classified as a Variant of Uncertain Significance.

All of Us Research Program, National Institutes of Health
Classification: Uncertain significance for Cardiomyopathy. Last evaluated: 2023-08-23. Review status: criteria provided, single submitter. Criteria: ACMG Guidelines, 2015. Collection method: clinical testing. Allele origin: germline. Inheritance: Autosomal dominant inheritance. Observed: 2 variant alleles, 2 heterozygotes.
Comment: This missense variant replaces threonine with methionine at codon 786 of the MYH7 protein. Computational prediction suggests that this variant may have a deleterious impact on protein structure and function (internally defined REVEL score threshold >= 0.7, PMID: 27666373). To our knowledge, functional studies have not been reported for this variant. This variant is found within a highly conserved region of the myosin head domain. Missense variants in this region have been shown to be significantly overrepresented in individuals with hypertrophic cardiomyopathy (PMID: 27532257). This variant has been identified in 3/251470 chromosomes in the general population by the Genome Aggregation Database (gnomAD). The available evidence is insufficient to determine the role of this variant in disease conclusively. Therefore, this variant is classified as a Variant of Uncertain Significance.

This study involves interpretation of variants in research participants for the purpose of population health screening. Participant phenotype was not available at the time of variant classification. Additional details can be found in publication PMID: 35346344, PMCID: PMC8962531

Literature cited by the submitters: PubMed 27532257 (cited by Color Diagnostics, LLC DBA Color Health and All of Us Research Program, National Institutes of Health).

NM_000257.4(MYH7):c.2357C>T (p.Thr786Met)

Genes: MYH7 (myosin heavy chain 7; minus strand), LOC126861898 (BRD4-independent group 4 enhancer GRCh37_chr14:23893609-23894808; plus strand). Cytogenetic location: 14q11.2.
Variant type: single nucleotide variant.
Coding change: c.2357C>T on transcript NM_000257.4 (MANE Select); coding-DNA position 2357, C replaced by T.
Protein change: p.Thr786Met; replaces threonine 786 with methionine.
Molecular consequence: missense variant.
Genome position (GRCh38, 1-based): chr14:23,425,348, G>A on the plus strand (C>T on the coding strand, the complement: MYH7 is on the minus strand). VCF-style: chr14-23425348-G-A. GRCh37 (hg19) VCF-style: chr14-23894557-G-A.
Other names: short protein forms T786M.
Identifiers: ClinVar variation 1517113 (VCV001517113.7), dbSNP rs781082864, ClinGen allele CA032327.
Genomic context (GRCh38, chr14:23,425,348, plus strand): 5'-TCCAGCAGCTTTTTGTACTCCATTCTGGCGAGCACACCTCGGGACTGGGCCTGGATACGC[G>A]TGATGATGCGGCTCAGCCTCTCGTCCCTCATTTCCTCCAGCAGCCCCAGCAGCCCGGCCT-3'
Protein context (NP_000248.2, residues 776-796): MRDERLSRII[Thr786Met]RIQAQSRGVL